The following is an entry in ClinVar:

ClinVar aggregate classification (germline): Uncertain significance (1 of 4 stars; one submission).

Conditions:
Hypercholesterolemia, autosomal dominant, 3 (FHCL3). Also called: Familial Hypercholesterolemia, Autosomal Dominant, 3; PCSK9-Related Familial Hypercholesterolemia, Autosomal Dominant; Familial hypercholesterolemia 3. Identifiers: MedGen C1863551, MONDO:0011369, OMIM 603776.

Submission:

Labcorp Genetics (formerly Invitae), Labcorp
Classification: Uncertain significance for Hypercholesterolemia, autosomal dominant, 3. Last evaluated: 2023-11-10. Review status: criteria provided, single submitter. Criteria: Invitae Variant Classification Sherloc (09022015). Collection method: clinical testing. Allele origin: germline.
Comment: This sequence change replaces threonine, which is neutral and polar, with alanine, which is neutral and non-polar, at codon 63 of the PCSK9 protein (p.Thr63Ala). This variant is not present in population databases (gnomAD no frequency). This variant has not been reported in the literature in individuals affected with PCSK9-related conditions. Advanced modeling of protein sequence and biophysical properties (such as structural, functional, and spatial information, amino acid conservation, physicochemical variation, residue mobility, and thermodynamic stability) performed at Invitae indicates that this missense variant is not expected to disrupt PCSK9 protein function with a negative predictive value of 95%. In summary, the available evidence is currently insufficient to determine the role of this variant in disease. Therefore, it has been classified as a Variant of Uncertain Significance.

NM_174936.4(PCSK9):c.187A>G (p.Thr63Ala)

Gene: PCSK9 (proprotein convertase subtilisin/kexin type 9; plus strand). Cytogenetic location: 1p32.3.
Variant type: single nucleotide variant.
Coding change: c.187A>G on transcript NM_174936.4 (MANE Select); coding-DNA position 187, A replaced by G.
Protein change: p.Thr63Ala; replaces threonine 63 with alanine.
Molecular consequence: missense variant. On other transcripts: 5 prime UTR variant (1), non-coding transcript variant (8).
Genome position (GRCh38, 1-based): chr1:55,040,024, A>G. VCF-style: chr1-55040024-A-G. GRCh37 (hg19) VCF-style: chr1-55505697-A-G.
Other names: c.187A>G, p.Thr63Ala (NM_001407240.1, NM_001407241.1, NM_001407242.1 and 4 more transcripts); c.-548A>G (NM_001407246.1); short protein forms T63A.
Identifiers: ClinVar variation 2694737 (VCV002694737.3), dbSNP rs2523165489, ClinGen allele CA340483193.